The following is an entry in ClinVar:

NM_001035.3(RYR2):c.2875G>T (p.Asp959Tyr)

Gene: RYR2 (ryanodine receptor 2; plus strand). Cytogenetic location: 1q43.
Variant type: single nucleotide variant.
Coding change: c.2875G>T on transcript NM_001035.3 (MANE Select); coding-DNA position 2875, G replaced by T.
Protein change: p.Asp959Tyr; replaces aspartic acid 959 with tyrosine.
Molecular consequence: missense variant.
Genome position (GRCh38, 1-based): chr1:237,530,479, G>T. VCF-style: chr1-237530479-G-T. GRCh37 (hg19) VCF-style: chr1-237693779-G-T.
Other names: short protein forms D959Y.
Identifiers: ClinVar variation 4800064 (VCV004800064.1).
Genomic context (GRCh38, chr1:237,530,479, plus strand): 5'-TTTTCCAGGACTTTGTTGGCATTAGGATGTCATGTGGGTATATCAGATGAACATGCTGAA[G>T]ACAAGGTGAAAAAAATGAAGCTACCCAAGAAGTAAGTTGAATGACTAAGCAATATTAAAT-3'
Protein context (NP_001026.2, residues 949-969): HVGISDEHAE[Asp959Tyr]KVKKMKLPKN

ClinVar aggregate classification (germline): Uncertain significance (1 of 4 stars; one submission).

Conditions:
Catecholaminergic polymorphic ventricular tachycardia 1. Also called: VENTRICULAR TACHYCARDIA, STRESS-INDUCED POLYMORPHIC 1; RYR2-Related Catecholaminergic Polymorphic Ventricular Tachycardia; VENTRICULAR TACHYCARDIA, CATECHOLAMINERGIC POLYMORPHIC, 1, WITH OR WITHOUT ATRIAL DYSFUNCTION AND/OR DILATED CARDIOMYOPATHY. Identifiers: Orphanet 3286, MedGen C1631597, MONDO:0011484, OMIM 604772.

Submission:

Labcorp Genetics (formerly Invitae), Labcorp
Classification: Uncertain significance for Catecholaminergic polymorphic ventricular tachycardia 1. Last evaluated: 2026-01-14. Review status: criteria provided, single submitter. Criteria: Invitae Variant Classification Sherloc (09022015). Collection method: clinical testing. Allele origin: germline.
Comment: This sequence change replaces aspartic acid, which is acidic and polar, with tyrosine, which is neutral and polar, at codon 959 of the RYR2 protein (p.Asp959Tyr). This variant is not present in population databases (gnomAD no frequency). This variant has not been reported in the literature in individuals affected with RYR2-related conditions. Invitae Evidence Modeling of protein sequence and biophysical properties (such as structural, functional, and spatial information, amino acid conservation, physicochemical variation, residue mobility, and thermodynamic stability) indicates that this missense variant is not expected to disrupt RYR2 protein function with a negative predictive value of 95%. In summary, the available evidence is currently insufficient to determine the role of this variant in disease. Therefore, it has been classified as a Variant of Uncertain Significance.